The following is an entry in ClinVar:

ClinVar aggregate classification (germline): Uncertain significance (1 of 4 stars; one submission).

Submission:

GeneDx
Classification: Uncertain significance. Last evaluated: 2026-02-06. Review status: criteria provided, single submitter. Criteria: GeneDx Variant Classification Process June 2021. Collection method: clinical testing. Allele origin: germline.
Comment: Not observed at significant frequency in large population cohorts (gnomAD); In silico analysis suggests that this missense variant does not alter protein structure/function; Has not been previously published as pathogenic or benign to our knowledge

NM_003923.3(FOXH1):c.31C>A (p.Pro11Thr)

Gene: FOXH1 (forkhead box H1; minus strand). Cytogenetic location: 8q24.3.
Variant type: single nucleotide variant.
Coding change: c.31C>A on transcript NM_003923.3 (MANE Select); coding-DNA position 31, C replaced by A.
Protein change: p.Pro11Thr; replaces proline 11 with threonine.
Molecular consequence: missense variant.
Genome position (GRCh38, 1-based): chr8:144,475,726, G>T on the plus strand (C>A on the coding strand, the complement: FOXH1 is on the minus strand). VCF-style: chr8-144475726-G-T. GRCh37 (hg19) VCF-style: chr8-145701109-G-T.
Other names: short protein forms P11T.
Identifiers: ClinVar variation 4976374 (VCV004976374.1).
Genomic context (GRCh38, chr8:144,475,726, plus strand): 5'-GTCGCAGGTACCTCTTCTTCCTCCTCTTAGGGGGCTGGGAGGGCGACTCTGCCTCTGGGG[G>T]CCCCAGGCGGGAGCCGCTGCAGGGCCCCATGCGGGACGGTAGACAGCGTGGGCAGGGGCC-3'
Protein context (NP_003914.1, residues 1-21): MGPCSGSRLG[Pro11Thr]PEAESPSQPP